The following is an entry in ClinVar:

ClinVar aggregate classification (germline): Benign. Review status: criteria provided, multiple submitters, no conflicts (2 of 4 stars). 7 submissions from 7 submitters: Benign (7). Last evaluated 2026-01-27.

Conditions:
Autosomal dominant nonsyndromic hearing loss 4A. Also called: Deafness, autosomal dominant 4A. Identifiers: Orphanet 90635, MedGen C1833503, MONDO:0010915, OMIM 600652.

Allele frequency attached by ClinVar (database versions not stated): 1000 Genomes Project 0.02676; ESP Exome Variant Server 0.02713; TOPMed 0.02728; gnomAD 0.02785; 1000 Genomes Project 30x 0.02904.
gnomAD v4.1: 7,862 of 1,608,748 alleles (0.49%); highest among the groups gnomAD compares: African/African-American, 8.8%; 362 homozygotes.

Submissions (7):

Labcorp Genetics (formerly Invitae), Labcorp
Classification: Benign. Last evaluated: 2026-01-27. Review status: criteria provided, single submitter. Criteria: Invitae Variant Classification Sherloc (09022015). Collection method: clinical testing. Allele origin: germline.

Athena Diagnostics
Classification: Benign. Last evaluated: 2018-05-23. Review status: criteria provided, single submitter. Criteria: Athena Diagnostics Criteria. Collection method: clinical testing. Allele origin: germline.

Illumina Laboratory Services, Illumina
Classification: Benign for Autosomal dominant nonsyndromic hearing loss 4A. Last evaluated: 2018-01-13. Review status: criteria provided, single submitter. Criteria: ICSL Variant Classification Criteria 13 December 2019. Collection method: clinical testing. Allele origin: germline.
Comment: This variant was observed in the ICSL laboratory as part of a predisposition screen in an ostensibly healthy population. It had not been previously curated by ICSL or reported in the Human Gene Mutation Database (HGMD: prior to June 1st, 2018), and was therefore a candidate for classification through an automated scoring system. Utilizing variant allele frequency, disease prevalence and penetrance estimates, and inheritance mode, an automated score was calculated to assess if this variant is too frequent to cause the disease. Based on the score and internal cut-off values, a variant classified as benign is not then subjected to further curation. The score for this variant resulted in a classification of benign for this disease.

GeneDx
Classification: Benign. Last evaluated: 2017-10-23. Review status: criteria provided, single submitter. Criteria: GeneDx Variant Classification (06012015). Collection method: clinical testing. Allele origin: germline. Affected: yes.
Comment: This variant is considered likely benign or benign based on one or more of the following criteria: it is a conservative change, it occurs at a poorly conserved position in the protein, it is predicted to be benign by multiple in silico algorithms, and/or has population frequency not consistent with disease.

Laboratory for Molecular Medicine, Mass General Brigham Personalized Medicine
Classification: Benign. Last evaluated: 2012-05-07. Review status: criteria provided, single submitter. Criteria: LMM Criteria. Collection method: clinical testing. Allele origin: germline. Observed: 35 variant alleles.
Comment: "Arg1761Arg in Exon 38 of MYH14: This variant is not expected to have clinical s ignificance because it does not alter an amino acid residue, is not located with in the splice consensus sequence, and has been identified in 8.3% (284/3432) of African American chromosomes from a broad population by the NHLBI Exome Sequenci ng Project (dbSNP rs116035034)."

Breakthrough Genomics
Classification: Benign. Review status: criteria provided, single submitter. Criteria: ACMG Guidelines, 2015. Collection method: not provided. Allele origin: germline. Inheritance: Autosomal dominant inheritance. Affected: yes.

PreventionGenetics, part of Exact Sciences
Classification: Benign. Review status: criteria provided, single submitter. Criteria: ACMG Guidelines, 2015. Collection method: clinical testing. Allele origin: germline.

NM_001145809.2(MYH14):c.5281C>A (p.Arg1761=)

Gene: MYH14 (myosin heavy chain 14; plus strand). Cytogenetic location: 19q13.33.
Variant type: single nucleotide variant.
Coding change: c.5281C>A on transcript NM_001145809.2 (MANE Select); coding-DNA position 5281, C replaced by A.
Protein change: p.Arg1761=; no amino-acid change (arginine 1761 retained).
Molecular consequence: synonymous variant.
Genome position (GRCh38, 1-based): chr19:50,293,257, C>A. VCF-style: chr19-50293257-C-A. GRCh37 (hg19) VCF-style: chr19-50796514-C-A.
Other names: c.5182C>A, p.Arg1728= (NM_001077186.2); c.5158C>A, p.Arg1720= (NM_024729.4).
Identifiers: ClinVar variation 178617 (VCV000178617.17), dbSNP rs116035034, ClinGen allele CA182674.